The following is an entry in ClinVar:

ClinVar aggregate classification (germline): Likely benign (0 of 4 stars; one submission).

Conditions:
PLXNA3-related disorder. Also called: PLXNA3-related condition.

Submission:

PreventionGenetics, part of Exact Sciences
Classification: Likely benign for PLXNA3-related condition. Last evaluated: 2021-06-02. Review status: no assertion criteria provided. Collection method: clinical testing. Allele origin: germline.
Comment: This variant is classified as likely benign based on ACMG/AMP sequence variant interpretation guidelines (Richards et al. 2015 PMID: 25741868, with internal and published modifications).

NM_017514.5(PLXNA3):c.48G>T (p.Gly16=)

Gene: PLXNA3 (plexin A3; plus strand). Cytogenetic location: Xq28.
Variant type: single nucleotide variant.
Coding change: c.48G>T on transcript NM_017514.5 (MANE Select); coding-DNA position 48, G replaced by T.
Protein change: p.Gly16=; no amino-acid change (glycine 16 retained).
Molecular consequence: synonymous variant.
Genome position (GRCh38, 1-based): chrX:154,460,231, G>T. VCF-style: chrX-154460231-G-T. GRCh37 (hg19) VCF-style: chrX-153688571-G-T.
Identifiers: ClinVar variation 3351262 (VCV003351262.1).